The following is an entry in ClinVar:

NM_002141.5(HOXA4):c.102C>A (p.Gly34=)

Genes: HOXA3 (homeobox A3; minus strand), HOXA4 (homeobox A4; minus strand). Cytogenetic location: 7p15.2.
Variant type: single nucleotide variant.
Coding change: c.102C>A on transcript NM_002141.5 (MANE Select); coding-DNA position 102, C replaced by A.
Protein change: p.Gly34=; no amino-acid change (glycine 34 retained).
Molecular consequence: synonymous variant. On other transcripts: intron variant (7).
Genome position (GRCh38, 1-based): chr7:27,130,632, G>T on the plus strand (C>A on the coding strand, the complement: HOXA4 is on the minus strand). VCF-style: chr7-27130632-G-T. GRCh37 (hg19) VCF-style: chr7-27170251-G-T.
Other names: c.-389-3562C>A (NM_153631.3, NM_001384340.1); c.-505-3562C>A (NM_001384335.1, NM_001384339.1); c.-204-7990C>A (NM_001384336.1, NM_001384338.1); c.-677-3562C>A (NM_001384337.1).
Identifiers: ClinVar variation 2657364 (VCV002657364.24), dbSNP rs2534661432, ClinGen allele CA454147726.

ClinVar aggregate classification (germline): Uncertain significance (1 of 4 stars; one submission).

Submission:

CeGaT Center for Human Genetics Tuebingen
Classification: Uncertain significance. Last evaluated: 2022-03-01. Review status: criteria provided, single submitter. Criteria: CeGaT Center For Human Genetics Tuebingen Variant Classification Criteria Version 2. Collection method: clinical testing. Allele origin: germline. Affected: yes. Observed: 1 variant allele.
Comment: HOXA4: PM2:Supporting, BP4